The following is an entry in ClinVar:

NM_024675.4(PALB2):c.152C>A (p.Thr51Lys)

Gene: PALB2 (partner and localizer of BRCA2; minus strand). Cytogenetic location: 16p12.2.
Variant type: single nucleotide variant.
Coding change: c.152C>A on transcript NM_024675.4 (MANE Select); coding-DNA position 152, C replaced by A.
Protein change: p.Thr51Lys; replaces threonine 51 with lysine.
Molecular consequence: missense variant. On other transcripts: 5 prime UTR variant (8), intron variant (3).
Genome position (GRCh38, 1-based): chr16:23,637,909, G>T on the plus strand (C>A on the coding strand, the complement: PALB2 is on the minus strand). VCF-style: chr16-23637909-G-T. GRCh37 (hg19) VCF-style: chr16-23649230-G-T.
Other names: c.92C>A, p.Thr31Lys (NM_001407296.1); c.152C>A, p.Thr51Lys (NM_001407297.1, NM_001407298.1, NM_001407299.1 and 3 more transcripts); c.-734C>A (NM_001407304.1, NM_001407305.1, NM_001407306.1 and 5 more transcripts); c.48+3201C>A (NM_001407314.1); c.-105+3201C>A (NM_001407313.1, NM_001407312.1); short protein forms T51K, T31K.
Identifiers: ClinVar variation 2567577 (VCV002567577.2), dbSNP rs1967102805, ClinGen allele CA395139240.

ClinVar aggregate classification (germline): Uncertain significance (1 of 4 stars; one submission).

Conditions:
Hereditary cancer-predisposing syndrome. Also called: Hereditary neoplastic syndrome; Hereditary Cancer Syndrome; Neoplastic Syndromes, Hereditary; Tumor predisposition. Identifiers: Orphanet 140162, MedGen C0027672, MeSH D009386, MONDO:0015356.

Submission:

Ambry Genetics
Classification: Uncertain significance for Hereditary cancer-predisposing syndrome. Last evaluated: 2023-04-23. Review status: criteria provided, single submitter. Criteria: Ambry Variant Classification Scheme 2023. Collection method: clinical testing. Allele origin: germline.
Comment: The p.T51K variant (also known as c.152C>A), located in coding exon 3 of the PALB2 gene, results from a C to A substitution at nucleotide position 152. The threonine at codon 51 is replaced by lysine, an amino acid with similar properties. This amino acid position is conserved. In addition, this alteration is predicted to be tolerated by in silico analysis. Since supporting evidence is limited at this time, the clinical significance of this alteration remains unclear.